The following is an entry in ClinVar:

NM_133259.4(LRPPRC):c.2280G>A (p.Lys760=)

Gene: LRPPRC (leucine rich pentatricopeptide repeat containing; minus strand). Cytogenetic location: 2p21.
Variant type: single nucleotide variant.
Coding change: c.2280G>A on transcript NM_133259.4 (MANE Select); coding-DNA position 2280, G replaced by A.
Protein change: p.Lys760=; no amino-acid change (lysine 760 retained).
Molecular consequence: synonymous variant.
Genome position (GRCh38, 1-based): chr2:43,945,348, C>T on the plus strand (G>A on the coding strand, the complement: LRPPRC is on the minus strand). VCF-style: chr2-43945348-C-T. GRCh37 (hg19) VCF-style: chr2-44172487-C-T.
Identifiers: ClinVar variation 1079797 (VCV001079797.32), dbSNP rs762970067, ClinGen allele CA1638522.

ClinVar aggregate classification (germline): Likely benign. Review status: criteria provided, multiple submitters, no conflicts (2 of 4 stars). 2 submissions from 2 submitters: Likely benign (2). Last evaluated 2023-02-01.

Allele frequency attached by ClinVar (database versions not stated): gnomAD exomes below 0.00001; ExAC 0.00001.
gnomAD v4.1: 2 of 1,611,592 alleles (0.00012%); highest among the groups gnomAD compares: East Asian, 0.0045%; no homozygotes.

Submissions (2):

CeGaT Center for Human Genetics Tuebingen
Classification: Likely benign. Last evaluated: 2023-02-01. Review status: criteria provided, single submitter. Criteria: CeGaT Center For Human Genetics Tuebingen Variant Classification Criteria Version 2. Collection method: clinical testing. Allele origin: germline. Affected: yes. Observed: 1 variant allele.
Comment: LRPPRC: BP4, BP7

Labcorp Genetics (formerly Invitae), Labcorp
Classification: Likely benign. Last evaluated: 2020-03-17. Review status: criteria provided, single submitter. Criteria: Invitae Variant Classification Sherloc (09022015). Collection method: clinical testing. Allele origin: germline.